The following is an entry in ClinVar:

ClinVar aggregate classification (germline): Likely pathogenic. Review status: criteria provided, multiple submitters, no conflicts (2 of 4 stars). 3 submissions from 3 submitters: Likely pathogenic (2). 1 of the submissions does not count toward it. Last evaluated 2025-07-22.

Conditions:
Salla disease (SD). Also called: Less Severe FSASD (Salla Disease); Sialuria, Finnish type; N-acetylneuraminic acid (NANA) storage disease (NSD); Infantile sialic acid storage disorder (ISSD). Identifiers: Orphanet 309334, Orphanet 834, MedGen C1096903, MONDO:0011449, OMIM 604369.

Allele frequency attached by ClinVar (database versions not stated): TOPMed below 0.00001; gnomAD exomes below 0.00001; ExAC 0.00001.
gnomAD v4.1: 1 of 1,614,060 alleles (0.000062%); highest among the groups gnomAD compares: South Asian, 0.0011%; no homozygotes.

Submissions (3):

Natera, Inc.
Classification: Likely pathogenic for Salla disease. Last evaluated: 2025-07-22. Review status: criteria provided, single submitter. Criteria: Natera Variant Classification Schema (03/2026). Collection method: clinical testing. Allele origin: germline.
Comment: The c.1226G>A variant in SLC17A5 is a missense variant predicted to cause substitution of glycine to glutamic acid at amino acid 409. This variant is rare in the general population with a frequency below the threshold expected for the associated phenotype(s). This variant has been observed in one or more individuals affected with the associated recessive disease, as either homozygous or compound heterozygous with a second variant (PMID: 15172001). Functional studies show that this variant may disrupt protein function (PMID: 18399798). Computational prediction algorithms indicate this variant is likely to affect gene or protein function. Given the available evidence, this variant is classified as Likely Pathogenic.

Labcorp Genetics (formerly Invitae), Labcorp
Classification: Likely pathogenic for Salla disease. Last evaluated: 2023-09-12. Review status: criteria provided, single submitter. Criteria: Invitae Variant Classification Sherloc (09022015). Collection method: clinical testing. Allele origin: germline.
Comment: In summary, the currently available evidence indicates that the variant is pathogenic, but additional data are needed to prove that conclusively. Therefore, this variant has been classified as Likely Pathogenic. Experimental studies have shown that this missense change affects SLC17A5 function (PMID: 17933575, 18399798). Advanced modeling of protein sequence and biophysical properties (such as structural, functional, and spatial information, amino acid conservation, physicochemical variation, residue mobility, and thermodynamic stability) performed at Invitae indicates that this missense variant is expected to disrupt SLC17A5 protein function. ClinVar contains an entry for this variant (Variation ID: 56553). This missense change has been observed in individual(s) with SLC17A5-related conditions (PMID: 15172001). In at least one individual the data is consistent with being in trans (on the opposite chromosome) from a pathogenic variant. This variant is present in population databases (rs386833989, gnomAD 0.003%). This sequence change replaces glycine, which is neutral and non-polar, with glutamic acid, which is acidic and polar, at codon 409 of the SLC17A5 protein (p.Gly409Glu).

Juha Muilu Group; Institute for Molecular Medicine Finland (FIMM)
Classification: Likely pathogenic for Salla disease. Review status: no assertion criteria provided. Collection method: not provided. Allele origin: unknown. Not counted in ClinVar's aggregate classification.
Comment: FinDis database variant: This variant was not found or characterized by our laboratory, data were collected from public sources: see reference
ClinVar note: Converted during submission from probable-pathogenic to Likely pathogenic.

Literature cited by the submitters: PubMed 15172001 (cited by Natera, Inc. and Labcorp Genetics (formerly Invitae), Labcorp); PubMed 18399798 (cited by Natera, Inc. and Labcorp Genetics (formerly Invitae), Labcorp); PubMed 17933575 (cited by Labcorp Genetics (formerly Invitae), Labcorp).

NM_012434.5(SLC17A5):c.1226G>A (p.Gly409Glu)

Gene: SLC17A5 (solute carrier family 17 member 5; minus strand). Cytogenetic location: 6q13.
Variant type: single nucleotide variant.
Coding change: c.1226G>A on transcript NM_012434.5 (MANE Select); coding-DNA position 1226, G replaced by A.
Protein change: p.Gly409Glu; replaces glycine 409 with glutamic acid.
Molecular consequence: missense variant.
Genome position (GRCh38, 1-based): chr6:73,610,433, C>T on the plus strand (G>A on the coding strand, the complement: SLC17A5 is on the minus strand). VCF-style: chr6-73610433-C-T. GRCh37 (hg19) VCF-style: chr6-74320156-C-T.
Other names: short protein forms G409E.
Identifiers: ClinVar variation 56553 (VCV000056553.6), dbSNP rs386833989, ClinGen allele CA263921.